The following is an entry in ClinVar:

NM_006531.5(IFT88):c.1946T>C (p.Ile649Thr)

Gene: IFT88 (intraflagellar transport 88; plus strand). Cytogenetic location: 13q12.11.
Variant type: single nucleotide variant.
Coding change: c.1946T>C on transcript NM_006531.5 (MANE Select); coding-DNA position 1946, T replaced by C.
Protein change: p.Ile649Thr; replaces isoleucine 649 with threonine.
Molecular consequence: missense variant. On other transcripts: non-coding transcript variant (4).
Genome position (GRCh38, 1-based): chr13:20,644,955, T>C. VCF-style: chr13-20644955-T-C. GRCh37 (hg19) VCF-style: chr13-21219094-T-C.
Other names: c.1889T>C, p.Ile630Thr (NM_001318491.2, NM_001353575.2); c.1973T>C, p.Ile658Thr (NM_001318493.2, NM_001353565.2, NM_001353566.2 and 2 more transcripts); c.1946T>C, p.Ile649Thr (NM_001353568.2, NM_001353572.2); c.1871T>C, p.Ile624Thr (NM_001353569.2, NM_001353570.2, NM_001353576.2 and 1 more transcripts); c.1844T>C, p.Ile615Thr (NM_001353571.2, NM_001353578.2); c.1802T>C, p.Ile601Thr (NM_001353573.2); c.1787T>C, p.Ile596Thr (NM_001353574.2); c.1313T>C, p.Ile438Thr (NM_001353579.2); short protein forms I624T, I630T, I596T, I601T, I615T, I649T, I658T, I438T.
Identifiers: ClinVar variation 4992534 (VCV004992534.1).
Genomic context (GRCh38, chr13:20,644,955, plus strand): 5'-ATTACATTGACACCCAATTTTGGGAAAAAGCTATTCAGTACTTTGAAAGAGCTTCTCTTA[T>C]ACAGTAAGTAATCATTAGGATTTTATGTTTAGTTAATGTCATGTCTTGAGTTTTTTTAAT-3'
Protein context (NP_006522.2, residues 639-659): AIQYFERASL[Ile649Thr]QPTQVKWQLM

ClinVar aggregate classification (germline): Uncertain significance (1 of 4 stars; one submission).

Conditions:
IFT88-related disorder. Also called: IFT88-related condition.

gnomAD v4.1: 4 of 1,408,638 alleles (0.00028%); highest among the groups gnomAD compares: African/African-American, 0.0028%; no homozygotes.

Submission:

PreventionGenetics, part of Exact Sciences
Classification: Uncertain significance for IFT88-related condition. Last evaluated: 2026-06-08. Review status: criteria provided, single submitter. Criteria: ACMG Guidelines, 2015. Collection method: clinical testing. Allele origin: germline.
Comment: The IFT88 c.1973T>C variant is predicted to result in the amino acid substitution p.Ile658Thr. To our knowledge, this variant has not been reported in the literature. This variant is reported in 0.0063% of alleles in individuals of African descent in gnomAD. At this time, the clinical significance of this variant is uncertain due to the absence of conclusive functional and genetic evidence.